The following is an entry in ClinVar:

ClinVar aggregate classification (germline): Uncertain significance (1 of 4 stars; one submission).

Conditions:
Larsen-like syndrome, B3GAT3 type. Also called: Multiple joint dislocations, short stature, craniofacial dysmorphism, with or without congenital heart defects; MULTIPLE JOINT DISLOCATIONS, SHORT STATURE, AND CRANIOFACIAL DYSMORPHISM WITH OR WITHOUT CONGENITAL HEART DEFECTS. Identifiers: Orphanet 284139, MedGen CN034159, MONDO:0009511, OMIM 245600.

Allele frequency attached by ClinVar (database versions not stated): ExAC 0.00001; gnomAD exomes 0.00001.
gnomAD v4.1: 3 of 1,613,494 alleles (0.00019%); highest among the groups gnomAD compares: African/African-American, 0.0013%; no homozygotes.

Submission:

Labcorp Genetics (formerly Invitae), Labcorp
Classification: Uncertain significance for Larsen-like syndrome, B3GAT3 type. Last evaluated: 2025-01-07. Review status: criteria provided, single submitter. Criteria: Invitae Variant Classification Sherloc (09022015). Collection method: clinical testing. Allele origin: germline.
Comment: This sequence change falls in intron 4 of the B3GAT3 gene. It does not directly change the encoded amino acid sequence of the B3GAT3 protein. This variant is present in population databases (rs778227646, gnomAD 0.002%). This variant has not been reported in the literature in individuals affected with B3GAT3-related conditions. ClinVar contains an entry for this variant (Variation ID: 1407344). Algorithms developed to predict the effect of sequence changes on RNA splicing suggest that this variant may disrupt the consensus splice site. In summary, the available evidence is currently insufficient to determine the role of this variant in disease. Therefore, it has been classified as a Variant of Uncertain Significance.

NM_012200.4(B3GAT3):c.910-7G>A

Gene: B3GAT3 (beta-1,3-glucuronyltransferase 3; minus strand). Cytogenetic location: 11q12.3.
Variant type: single nucleotide variant.
Coding change: c.910-7G>A on transcript NM_012200.4 (MANE Select); 7 bases into the intron before coding-DNA position 910, G replaced by A.
Molecular consequence: intron variant. On other transcripts: 3 prime UTR variant (2).
Genome position (GRCh38, 1-based): chr11:62,615,806, C>T on the plus strand (G>A on the coding strand, the complement: B3GAT3 is on the minus strand). VCF-style: chr11-62615806-C-T. GRCh37 (hg19) VCF-style: chr11-62383278-C-T.
Other names: c.*380G>A (NM_001288722.2); c.*396G>A (NM_001288723.2); c.889-7G>A (NM_001288721.2).
Identifiers: ClinVar variation 1407344 (VCV001407344.8), dbSNP rs778227646, ClinGen allele CA6049947.